The following is an entry in ClinVar:

ClinVar aggregate classification (germline): Uncertain significance (1 of 4 stars; one submission).

Conditions:
MUC16-related disorder. Also called: MUC16-related condition.

Submission:

PreventionGenetics, part of Exact Sciences
Classification: Uncertain significance for MUC16-related condition. Last evaluated: 2025-07-20. Review status: criteria provided, single submitter. Criteria: ACMG Guidelines, 2015. Collection method: clinical testing. Allele origin: germline.
Comment: The MUC16 c.42539T>C variant is predicted to result in the amino acid substitution p.Val14180Ala. To our knowledge, this variant has not been reported in the literature or in a large population database (gnomAD), indicating this variant is rare. At this time, the clinical significance of this variant is uncertain due to the absence of conclusive functional and genetic evidence.

NM_001401501.2(MUC16):c.45065T>C (p.Val15022Ala)

Gene: MUC16 (mucin 16, cell surface associated; minus strand). Cytogenetic location: 19p13.2.
Variant type: single nucleotide variant.
Coding change: c.45065T>C on transcript NM_001401501.2 (MANE Select); coding-DNA position 45065, T replaced by C.
Protein change: p.Val15022Ala; replaces valine 15022 with alanine.
Molecular consequence: missense variant.
Genome position (GRCh38, 1-based): chr19:8,865,613, A>G on the plus strand (T>C on the coding strand, the complement: MUC16 is on the minus strand). VCF-style: chr19-8865613-A-G. GRCh37 (hg19) VCF-style: chr19-8976289-A-G.
Other names: c.45491T>C, p.Val15164Ala (NM_001414686.1); c.44945T>C, p.Val14982Ala (NM_001414687.1); c.42539T>C, p.Val14180Ala (NM_024690.2); short protein forms V14982A, V15022A, V15164A, V14180A.
Identifiers: ClinVar variation 4999372 (VCV004999372.1).